The following is an entry in ClinVar:

ClinVar aggregate classification (germline): Conflicting classifications of pathogenicity. Review status: criteria provided, conflicting classifications (1 of 4 stars). 5 submissions from 5 submitters: Uncertain significance (3); Likely benign (1). 1 of the submissions does not count toward it. Last evaluated 2026-07-09.

Conditions:
Fumarase deficiency (FMRD). Also called: Fumaric aciduria; Fumarate Hydratase Deficiency. Identifiers: Orphanet 24, MedGen C0342770, MONDO:0011730, OMIM 606812.
Hereditary cancer-predisposing syndrome. Also called: Tumor predisposition; Hereditary neoplastic syndrome; Neoplastic Syndromes, Hereditary; Hereditary Cancer Syndrome. Identifiers: Orphanet 140162, MedGen C0027672, MeSH D009386, MONDO:0015356.

Allele frequency attached by ClinVar (database versions not stated): gnomAD exomes 0.00001.
gnomAD v4.1: 8 of 1,548,054 alleles (0.00052%); highest among the groups gnomAD compares: Non-Finnish European, 0.00052%; no homozygotes.

Submissions (5):

Ambry Genetics
Classification: Likely benign for Hereditary cancer-predisposing syndrome. Last evaluated: 2026-07-09. Review status: criteria provided, single submitter. Criteria: Ambry Variant Classification Scheme 2023. Collection method: clinical testing. Allele origin: germline.

Labcorp Genetics (formerly Invitae), Labcorp
Classification: Uncertain significance. Last evaluated: 2026-01-12. Review status: criteria provided, single submitter. Criteria: Invitae Variant Classification Sherloc (09022015). Collection method: clinical testing. Allele origin: germline.
Comment: This sequence change replaces alanine, which is neutral and non-polar, with threonine, which is neutral and polar, at codon 25 of the FH protein (p.Ala25Thr). This variant is not present in population databases (gnomAD no frequency). This variant has not been reported in the literature in individuals affected with FH-related conditions. ClinVar contains an entry for this variant (Variation ID: 827021). Invitae Evidence Modeling of protein sequence and biophysical properties (such as structural, functional, and spatial information, amino acid conservation, physicochemical variation, residue mobility, and thermodynamic stability) indicates that this missense variant is not expected to disrupt FH protein function with a negative predictive value of 95%. In summary, the available evidence is currently insufficient to determine the role of this variant in disease. Therefore, it has been classified as a Variant of Uncertain Significance.

Blueprint Genetics
Classification: Uncertain significance. Last evaluated: 2023-05-12. Review status: criteria provided, single submitter. Criteria: ACMG Guidelines, 2015. Collection method: clinical testing. Allele origin: germline.

Centre for Mendelian Genomics, University Medical Centre Ljubljana
Classification: Uncertain significance for Fumarase deficiency. Last evaluated: 2019-10-08. Review status: criteria provided, single submitter. Criteria: ACMG Guidelines, 2015. Collection method: clinical testing. Allele origin: unknown. Affected: yes.
Comment: This variant was classified as: Uncertain significance. The available evidence on this variant's pathogenicity is insufficient or conflicting. The following ACMG criteria were applied in classifying this variant: PM2,BP4.

Natera, Inc.
Classification: Uncertain significance for Fumarase Deficiency. Last evaluated: 2020-07-07. Review status: no assertion criteria provided. Collection method: clinical testing. Allele origin: germline. Not counted in ClinVar's aggregate classification.

NM_000143.4(FH):c.73G>A (p.Ala25Thr)

Gene: FH (fumarate hydratase; minus strand). Cytogenetic location: 1q43.
Variant type: single nucleotide variant.
Coding change: c.73G>A on transcript NM_000143.4 (MANE Select); coding-DNA position 73, G replaced by A.
Protein change: p.Ala25Thr; replaces alanine 25 with threonine.
Molecular consequence: missense variant.
Genome position (GRCh38, 1-based): chr1:241,519,650, C>T on the plus strand (G>A on the coding strand, the complement: FH is on the minus strand). VCF-style: chr1-241519650-C-T. GRCh37 (hg19) VCF-style: chr1-241682950-C-T.
Other names: short protein forms A25T.
Identifiers: ClinVar variation 827021 (VCV000827021.23), dbSNP rs999146815, ClinGen allele CA345442825.
Genomic context (GRCh38, chr1:241,519,650, plus strand): 5'-CCATTCGAGCCGCGTTCGGAGGCCAAAACGAGGGCACGGCCGCGCCACCCAAGCCGGGAG[C>T]CGAAGCTAAGGCTGCGGCTGGAGCCCGCACGAGGGGACGCGAGCGCGCGAGGAGCCGAAG-3'
Protein context (NP_000134.2, residues 15-35): VRAPAAALAS[Ala25Thr]PGLGGAAVPS